The following is an entry in ClinVar:

NM_002465.4(MYBPC1):c.1915G>A (p.Val639Ile)

Gene: MYBPC1 (myosin binding protein C1; plus strand). Cytogenetic location: 12q23.2.
Variant type: single nucleotide variant.
Coding change: c.1915G>A on transcript NM_002465.4 (MANE Select); coding-DNA position 1915, G replaced by A.
Protein change: p.Val639Ile; replaces valine 639 with isoleucine.
Molecular consequence: missense variant.
Genome position (GRCh38, 1-based): chr12:101,659,819, G>A. VCF-style: chr12-101659819-G-A. GRCh37 (hg19) VCF-style: chr12-102053597-G-A.
Other names: c.1915G>A (NM_002465.3); c.1840G>A, p.Val614Ile (NM_001254718.3, NM_001254719.3, NM_206820.4 and 1 more transcripts); c.1804G>A, p.Val602Ile (NM_001254720.3); c.1783G>A, p.Val595Ile (NM_001254721.3, NM_001404676.1, NM_001404678.1); c.1762G>A, p.Val588Ile (NM_001254722.3, NM_001404680.1); c.1801G>A, p.Val601Ile (NM_001254723.3); c.1915G>A, p.Val639Ile (NM_001404675.1, NM_206819.4); c.1705G>A, p.Val569Ile (NM_001404677.1, NM_001404679.1, NM_001404681.1); short protein forms V601I, V614I, V639I, V595I, V602I, V569I, V588I.
Identifiers: ClinVar variation 3297188 (VCV003297188.3).

ClinVar aggregate classification (germline): Conflicting classifications of pathogenicity. Review status: criteria provided, conflicting classifications (1 of 4 stars). 3 submissions from 3 submitters: Uncertain significance (2); Likely benign (1). Last evaluated 2025-11-22.

Conditions:
MYBPC1-related disorder. Also called: MYBPC1-related condition.
Inborn genetic diseases. Identifiers: MedGen C0950123, MeSH D030342.

gnomAD v4.1: 11 of 1,613,972 alleles (0.00068%); highest among the groups gnomAD compares: Admixed American, 0.012%; no homozygotes.

Submissions (3):

PreventionGenetics, part of Exact Sciences
Classification: Uncertain significance for MYBPC1-related condition. Last evaluated: 2025-11-22. Review status: criteria provided, single submitter. Criteria: ACMG Guidelines, 2015. Collection method: clinical testing. Allele origin: germline.
Comment: The MYBPC1 c.1915G>A variant is predicted to result in the amino acid substitution p.Val639Ile. To our knowledge, this variant has not been reported in the literature. This variant is reported in 0.0058% of alleles in individuals of Latino descent in gnomAD. At this time, the clinical significance of this variant is uncertain due to the absence of conclusive functional and genetic evidence.

Ambry Genetics
Classification: Likely benign for Inborn genetic diseases. Last evaluated: 2024-06-04. Review status: criteria provided, single submitter. Criteria: Ambry Variant Classification Scheme 2023. Collection method: clinical testing. Allele origin: germline.

GeneDx
Classification: Uncertain significance. Last evaluated: 2024-05-20. Review status: criteria provided, single submitter. Criteria: GeneDx Variant Classification Process June 2021. Collection method: clinical testing. Allele origin: germline. Affected: yes.
Comment: In silico analysis indicates that this missense variant does not alter protein structure/function; Has not been previously published as pathogenic or benign to our knowledge